The following is an entry in ClinVar:

ClinVar aggregate classification (germline): Uncertain significance. Review status: criteria provided, multiple submitters, no conflicts (2 of 4 stars). 2 submissions from 2 submitters: Uncertain significance (2). Last evaluated 2025-01-08.

Allele frequency attached by ClinVar (database versions not stated): ESP Exome Variant Server 0.00023; TOPMed 0.00030; 1000 Genomes Project 30x 0.00031; ExAC 0.00032; 1000 Genomes Project 0.00040; gnomAD exomes 0.00015; gnomAD 0.00020.
gnomAD v4.1: 249 of 1,613,330 alleles (0.015%); highest among the groups gnomAD compares: Admixed American, 0.04%; no homozygotes.

Submissions (2):

Labcorp Genetics (formerly Invitae), Labcorp
Classification: Uncertain significance. Last evaluated: 2025-01-08. Review status: criteria provided, single submitter. Criteria: Invitae Variant Classification Sherloc (09022015). Collection method: clinical testing. Allele origin: germline.
Comment: This sequence change replaces proline, which is neutral and non-polar, with leucine, which is neutral and non-polar, at codon 355 of the MIPEP protein (p.Pro355Leu). This variant is present in population databases (rs144106550, gnomAD 0.03%). This variant has not been reported in the literature in individuals affected with MIPEP-related conditions. ClinVar contains an entry for this variant (Variation ID: 2045524). Invitae Evidence Modeling of protein sequence and biophysical properties (such as structural, functional, and spatial information, amino acid conservation, physicochemical variation, residue mobility, and thermodynamic stability) indicates that this missense variant is not expected to disrupt MIPEP protein function with a negative predictive value of 80%. In summary, the available evidence is currently insufficient to determine the role of this variant in disease. Therefore, it has been classified as a Variant of Uncertain Significance.

Blueprint Genetics
Classification: Uncertain significance. Last evaluated: 2024-09-05. Review status: criteria provided, single submitter. Criteria: ACMG Guidelines, 2015. Collection method: clinical testing. Allele origin: germline.

NM_005932.4(MIPEP):c.1064C>T (p.Pro355Leu)

Gene: MIPEP (mitochondrial intermediate peptidase; minus strand). Cytogenetic location: 13q12.12.
Variant type: single nucleotide variant.
Coding change: c.1064C>T on transcript NM_005932.4 (MANE Select); coding-DNA position 1064, C replaced by T.
Protein change: p.Pro355Leu; replaces proline 355 with leucine.
Molecular consequence: missense variant.
Genome position (GRCh38, 1-based): chr13:23,858,902, G>A on the plus strand (C>T on the coding strand, the complement: MIPEP is on the minus strand). VCF-style: chr13-23858902-G-A. GRCh37 (hg19) VCF-style: chr13-24433041-G-A.
Other names: short protein forms P355L.
Identifiers: ClinVar variation 2045524 (VCV002045524.3), dbSNP rs144106550, ClinGen allele CA6913121.